The following is an entry in ClinVar:

NM_016239.4(MYO15A):c.2464G>T (p.Glu822Ter)

Gene: MYO15A (myosin XVA; plus strand). Cytogenetic location: 17p11.2.
Variant type: single nucleotide variant.
Coding change: c.2464G>T on transcript NM_016239.4 (MANE Select); coding-DNA position 2464, G replaced by T.
Protein change: p.Glu822Ter; replaces glutamic acid 822 with a stop codon.
Molecular consequence: nonsense.
Genome position (GRCh38, 1-based): chr17:18,121,264, G>T. VCF-style: chr17-18121264-G-T. GRCh37 (hg19) VCF-style: chr17-18024578-G-T.
Other names: short protein forms E822*.
Identifiers: ClinVar variation 3601310 (VCV003601310.1).
Genomic context (GRCh38, chr17:18,121,264, plus strand): 5'-CGCACGGGCCCCTTCCAGCCGCCCTTCCTGCCCCCGGCCCGCCGGCCCCGCTCGCTGCAG[G>T]AGTCCCCAGCCCCACGCCGAGCCGCTGGGCGCCTGGGCCCACCCGGCTCGCCGCTGCCGG-3'

ClinVar aggregate classification (germline): Likely pathogenic (1 of 4 stars; one submission).

Conditions:
Autosomal recessive nonsyndromic hearing loss 3. Also called: NEUROSENSORY NONSYNDROMIC RECESSIVE DEAFNESS 3. Identifiers: Orphanet 90636, MedGen C1838263, MONDO:0010860, OMIM 600316.

gnomAD v4.1: 1 of 1,451,610 alleles (0.000069%); highest among the groups gnomAD compares: Non-Finnish European, 0.00009%; no homozygotes.

Submission:

Institute of Rare Diseases, West China Hospital, Sichuan University
Classification: Likely pathogenic for Autosomal recessive nonsyndromic hearing loss 3. Last evaluated: 2025-01-09. Review status: criteria provided, single submitter. Criteria: ClinGen HL ACMG Specifications v1. Collection method: research. Allele origin: germline. Affected: yes.
Comment: PVS1;PM2_Supporting